The following is an entry in ClinVar:

ClinVar aggregate classification (germline): Likely pathogenic (1 of 4 stars; one submission).

Conditions:
Fabry disease. Also called: ALPHA-GALACTOSIDASE A DEFICIENCY; ANDERSON-FABRY DISEASE; CERAMIDE TRIHEXOSIDASE DEFICIENCY; GLA DEFICIENCY; HEREDITARY DYSTOPIC LIPIDOSIS; Angiokeratoma corporis diffusum. Identifiers: Orphanet 324, MedGen C0002986, MONDO:0010526, OMIM 301500, HP:0001071. Disease mechanism: Fabry disease is due to inactivating mutations in the X-linked GLA gene resulting in deficiency of the enzyme Alpha Galactosidase-A., loss of function.

Submission:

Genomenon, Inc
Classification: Likely pathogenic for Fabry disease. Last evaluated: 2026-09-08. Review status: criteria provided, single submitter. Criteria: Genomenon Sequence Variant Interpretation Standards - Updated. Collection method: curation. Allele origin: germline. Affected: yes.
Comment: GLA p.Asp299Val (c.896A>T) is a missense variant that changes the amino acid at codon 299 from Aspartic acid to Valine. This variant has been observed in at least one proband with clinical features consistent with Fabry disease (PMID:24718841). The variant was found to segregate with disease in at least one affected family (PMID:24718841). Functional or patient cell studies have been reported (PMID:32843101;24718841). The presence of pathogenic/likely pathogenic missense variant(s) at the same amino acid position indicates that this residue is likely important for protein function. It is absent or not present at a significant frequency in gnomAD. In silico models predict that this variant is possibly or probably damaging. In conclusion, we classify GLA p.Asp299Val (c.896A>T) as a likely pathogenic variant.

Literature cited by the submitters: PubMed 24718841; PubMed 32843101.

NM_000169.3(GLA):c.896A>T (p.Asp299Val)

Genes: GLA (galactosidase alpha; minus strand), RPL36A-HNRNPH2 (RPL36A-HNRNPH2 readthrough; plus strand). Cytogenetic location: Xq22.1.
Variant type: single nucleotide variant.
Coding change: c.896A>T on transcript NM_000169.3 (MANE Select); coding-DNA position 896, A replaced by T.
Protein change: p.Asp299Val; replaces aspartic acid 299 with valine.
Molecular consequence: missense variant. On other transcripts: non-coding transcript variant (3), intron variant (2).
Genome position (GRCh38, 1-based): chrX:101,398,473, T>A on the plus strand (A>T on the coding strand, the complement: GLA is on the minus strand). VCF-style: chrX-101398473-T-A. GRCh37 (hg19) VCF-style: chrX-100653461-T-A.
Other names: c.1019A>T, p.Asp340Val (NM_001406747.1); c.896A>T, p.Asp299Val (NM_001406748.1); c.300+3016T>A (NM_001199973.2); c.177+6651T>A (NM_001199974.2); short protein forms D299V, D340V.
Identifiers: ClinVar variation 4087571 (VCV004087571.2).